The following is an entry in ClinVar:

NC_000017.10:g.(?_29670017)_(29670163_?)del

Gene: NF1 (neurofibromin 1; plus strand). Cytogenetic location: 17q11.2.
Variant type: Deletion.
Identifiers: ClinVar variation 1391169 (VCV001391169.4).

ClinVar aggregate classification (germline): Pathogenic (1 of 4 stars; one submission).

Conditions:
Neurofibromatosis, type 1 (NF1). Also called: VON RECKLINGHAUSEN DISEASE; Neurofibromatosis, type I; NEUROFIBROMATOSIS, TYPE I, SOMATIC; Peripheral type neurofibromatosis. Identifiers: Orphanet 636, MedGen C0027831, MONDO:0018975, OMIM 162200. Disease mechanism: loss of function.

Submission:

Labcorp Genetics (formerly Invitae), Labcorp
Classification: Pathogenic for Neurofibromatosis, type 1. Last evaluated: 2021-11-26. Review status: criteria provided, single submitter. Criteria: Invitae Variant Classification Sherloc (09022015). Collection method: clinical testing. Allele origin: germline.
Comment: For these reasons, this variant has been classified as Pathogenic. A similar copy number variant has been observed in individual(s) with neurofibromatosis type 1 (Invitae). This variant is a gross deletion of the genomic region encompassing exon(s) 47 of the NF1 gene. This deletion is out-of-frame, and is expected to create a premature termination codon and result in an absent or disrupted protein product. Loss-of-function variants in NF1 are known to be pathogenic (PMID: 10712197, 23913538).

Literature cited by the submitters: PubMed 10712197; PubMed 23913538.